The following is an entry in ClinVar:

ClinVar aggregate classification (germline): Uncertain significance (1 of 4 stars; one submission).

Conditions:
Long QT syndrome (LQTS). Identifiers: MedGen C0023976, MeSH D008133, MONDO:0002442. Disease mechanism: loss of function. Inheritance: Various modes of inheritance.

Submission:

Labcorp Genetics (formerly Invitae), Labcorp
Classification: Uncertain significance for Long QT syndrome. Last evaluated: 2023-09-15. Review status: criteria provided, single submitter. Criteria: Invitae Variant Classification Sherloc (09022015). Collection method: clinical testing. Allele origin: germline.
Comment: This variant has not been reported in the literature in individuals affected with CACNA1C-related conditions. In summary, the available evidence is currently insufficient to determine the role of this variant in disease. Therefore, it has been classified as a Variant of Uncertain Significance. Advanced modeling of protein sequence and biophysical properties (such as structural, functional, and spatial information, amino acid conservation, physicochemical variation, residue mobility, and thermodynamic stability) performed at Invitae indicates that this missense variant is not expected to disrupt CACNA1C protein function. This variant is not present in population databases (gnomAD no frequency). This sequence change replaces glutamic acid, which is acidic and polar, with lysine, which is basic and polar, at codon 2125 of the CACNA1C protein (p.Glu2125Lys).

NM_000719.7(CACNA1C):c.6373G>A (p.Glu2125Lys)

Genes: CACNA1C (calcium voltage-gated channel subunit alpha1 C; plus strand), CACNA1C-AS1 (CACNA1C antisense RNA 1; minus strand). Cytogenetic location: 12p13.33.
Variant type: single nucleotide variant.
Coding change: c.6373G>A on transcript NM_000719.7 (MANE Select); coding-DNA position 6373, G replaced by A.
Protein change: p.Glu2125Lys; replaces glutamic acid 2125 with lysine.
Molecular consequence: missense variant. On other transcripts: non-coding transcript variant (1).
Genome position (GRCh38, 1-based): chr12:2,691,155, G>A. VCF-style: chr12-2691155-G-A. GRCh37 (hg19) VCF-style: chr12-2800321-G-A.
Other names: c.6517G>A, p.Glu2173Lys (NM_001129827.2); c.6496G>A, p.Glu2166Lys (NM_001129829.2); c.6478G>A, p.Glu2160Lys (NM_001129830.3, NM_001167624.3); c.6457G>A, p.Glu2153Lys (NM_001129831.2); c.6433G>A, p.Glu2145Lys (NM_001129832.2); c.6430G>A, p.Glu2144Lys (NM_001129833.2, NM_001129834.2, NM_001129835.2); c.6424G>A, p.Glu2142Lys (NM_001129836.2); c.6397G>A, p.Glu2133Lys (NM_001129837.2, NM_001129838.2); and 6 more; short protein forms E2142K, E2160K, E2208K, E2131K, E2133K, E2145K, E2153K, E2144K.
Identifiers: ClinVar variation 2782976 (VCV002782976.3), dbSNP rs1556336470, ClinGen allele CA383387679.